The following is an entry in ClinVar:

ClinVar aggregate classification (germline): Likely benign (1 of 4 stars; one submission).

Allele frequency attached by ClinVar (database versions not stated): gnomAD 0.00002; TOPMed 0.00002; ExAC 0.00004.

Submission:

CeGaT Center for Human Genetics Tuebingen
Classification: Likely benign. Last evaluated: 2023-02-01. Review status: criteria provided, single submitter. Criteria: CeGaT Center For Human Genetics Tuebingen Variant Classification Criteria Version 2. Collection method: clinical testing. Allele origin: germline. Affected: yes. Observed: 1 variant allele.
Comment: SVEP1: BP4, BP7

NM_153366.4(SVEP1):c.129C>T (p.Pro43=)

Gene: SVEP1 (sushi, von Willebrand factor type A, EGF and pentraxin domain containing 1; minus strand). Cytogenetic location: 9q31.3.
Variant type: single nucleotide variant.
Coding change: c.129C>T on transcript NM_153366.4 (MANE Select); coding-DNA position 129, C replaced by T.
Protein change: p.Pro43=; no amino-acid change (proline 43 retained).
Molecular consequence: synonymous variant.
Genome position (GRCh38, 1-based): chr9:110,579,415, G>A on the plus strand (C>T on the coding strand, the complement: SVEP1 is on the minus strand). VCF-style: chr9-110579415-G-A. GRCh37 (hg19) VCF-style: chr9-113341695-G-A.
Identifiers: ClinVar variation 2659424 (VCV002659424.24), dbSNP rs753382242, ClinGen allele CA5183850.